The following is an entry in ClinVar:

ClinVar aggregate classification (germline): Uncertain significance (1 of 4 stars; one submission).

Conditions:
Anauxetic dysplasia. Identifiers: Orphanet 93347, MedGen C1846796, MONDO:0011773.

gnomAD v4.1: 4 of 700,416 alleles (0.00057%); highest among the groups gnomAD compares: Non-Finnish European, 0.001%; no homozygotes.

Submission:

Labcorp Genetics (formerly Invitae), Labcorp
Classification: Uncertain significance for Anauxetic dysplasia. Last evaluated: 2021-01-29. Review status: criteria provided, single submitter. Criteria: Invitae Variant Classification Sherloc (09022015). Collection method: clinical testing. Allele origin: germline.
Comment: This variant occurs in the RMRP gene, which encodes an RNA molecule that does not result in a protein product. The frequency data for this variant in the population databases is considered unreliable, as metrics indicate insufficient coverage at this position in the ExAC database. This variant has not been reported in the literature in individuals with RMRP-related conditions. Experimental studies and prediction algorithms are not available or were not evaluated, and the functional significance of this variant is currently unknown. In summary, the available evidence is currently insufficient to determine the role of this variant in disease. Therefore, it has been classified as a Variant of Uncertain Significance.

NC_000009.12:g.35657878T>A

Gene: RMRP (RNA component of mitochondrial RNA processing endoribonuclease; minus strand). Cytogenetic location: 9p13.3.
Variant type: single nucleotide variant.
Genome position: GRCh38 VCF-style: chr9-35657878-T-A. GRCh37 (hg19) VCF-style: chr9-35657875-T-A.
Identifiers: ClinVar variation 2169662 (VCV002169662.1), dbSNP rs1303112183, ClinGen allele CA464450712.